The following is an entry in ClinVar:

NM_006180.6(NTRK2):c.1467T>C (p.Asn489=)

Gene: NTRK2 (neurotrophic receptor tyrosine kinase 2; plus strand). Cytogenetic location: 9q21.33.
Variant type: single nucleotide variant.
Coding change: c.1467T>C on transcript NM_006180.6 (MANE Select); coding-DNA position 1467, T replaced by C.
Protein change: p.Asn489=; no amino-acid change (asparagine 489 retained).
Molecular consequence: synonymous variant.
Genome position (GRCh38, 1-based): chr9:84,867,265, T>C. VCF-style: chr9-84867265-T-C. GRCh37 (hg19) VCF-style: chr9-87482180-T-C.
Other names: c.1419T>C, p.Asn473= (NM_001018064.3, NM_001018066.3, NM_001369532.1 and 2 more transcripts); c.1467T>C, p.Asn489= (NM_001018065.2, NM_001369537.1); c.1383T>C, p.Asn461= (NM_001369534.1); c.951T>C, p.Asn317= (NM_001369535.1); c.999T>C, p.Asn333= (NM_001369536.1).
Identifiers: ClinVar variation 4997834 (VCV004997834.1).

ClinVar aggregate classification (germline): Likely benign (1 of 4 stars; one submission).

Conditions:
NTRK2-related disorder. Also called: NTRK2-related condition.

Submission:

PreventionGenetics, part of Exact Sciences
Classification: Likely benign for NTRK2-related condition. Last evaluated: 2024-10-14. Review status: criteria provided, single submitter. Criteria: ACMG Guidelines, 2015. Collection method: clinical testing. Allele origin: germline.
Comment: This variant is classified as likely benign based on ACMG/AMP sequence variant interpretation guidelines (Richards et al. 2015 PMID: 25741868, with internal and published modifications).